The following is an entry in ClinVar:

NM_025243.4(SLC19A3):c.1173-1G>A

Gene: SLC19A3 (solute carrier family 19 member 3; minus strand). Cytogenetic location: 2q36.3.
Variant type: single nucleotide variant.
Coding change: c.1173-1G>A on transcript NM_025243.4 (MANE Select); the canonical splice acceptor site of the intron before coding-DNA position 1173, G replaced by A.
Molecular consequence: splice acceptor variant.
Genome position (GRCh38, 1-based): chr2:227,688,308, C>T on the plus strand (G>A on the coding strand, the complement: SLC19A3 is on the minus strand). VCF-style: chr2-227688308-C-T. GRCh37 (hg19) VCF-style: chr2-228553024-C-T.
Other names: c.1161-1G>A (NM_001371413.1, NM_001371414.1); c.1173-1G>A (NM_001371411.1, NM_001371412.1).
Identifiers: ClinVar variation 2760607 (VCV002760607.6), dbSNP rs531876613, ClinGen allele CA2149131.

ClinVar aggregate classification (germline): Pathogenic/Likely pathogenic. Review status: criteria provided, multiple submitters, no conflicts (2 of 4 stars). 4 submissions from 4 submitters: Pathogenic (2); Likely pathogenic (2). Last evaluated 2026-02-03.

Conditions:
Biotin-responsive basal ganglia disease (BTBGD). Also called: Thiamine metabolism dysfunction syndrome type 2; THIAMINE METABOLISM DYSFUNCTION SYNDROME 2 (BIOTIN- AND THIAMINE-RESPONSIVE TYPE); Thiamine Transporter-2 Deficiency; thiamine-responsive encephalopathy; Thiamine metabolism dysfunction syndrome 2 (biotin- or thiamine-responsive encephalopathy type 2). Identifiers: Orphanet 199348, Orphanet 65284, MedGen C1843807, MONDO:0011841, OMIM 607483.

Allele frequency attached by ClinVar (database versions not stated): ExAC 0.00001; gnomAD 0.00001; gnomAD exomes 0.00001; 1000 Genomes Project 0.00020; 1000 Genomes Project 30x 0.00031.
gnomAD v4.1: 8 of 1,613,498 alleles (0.0005%); highest among the groups gnomAD compares: South Asian, 0.0088%; no homozygotes.

Submissions (4):

GeneDx
Classification: Pathogenic. Last evaluated: 2026-02-03. Review status: criteria provided, single submitter. Criteria: GeneDx Variant Classification Process June 2021. Collection method: clinical testing. Allele origin: germline.
Comment: Canonical splice site variant predicted to result in a null allele in a gene for which loss of function is a known mechanism of disease; Not observed at significant frequency in large population cohorts (gnomAD); Has not been previously published as pathogenic or benign in association with SLC19A3-related disorders to our knowledge; This variant is associated with the following publications: (PMID: 28402605)

Myriad Genetics, Inc.
Classification: Pathogenic for Biotin-responsive basal ganglia disease. Last evaluated: 2025-08-06. Review status: criteria provided, single submitter. Criteria: Myriad Autosomal Dominant, Autosomal Recessive and X-Linked Classification Criteria (2023). Collection method: clinical testing. Allele origin: unknown.
Comment: NM_025243.3(SLC19A3):c.1173-1G>A is a variant in a canonical splice site classified as pathogenic in the context of biotin-thiamine-responsive basal ganglia disease. c.1173-1G>A has not been observed in cases with relevant disease. Relevant functional assessments of this variant are not available in the literature. Internal structural analysis of the variant is supportive of pathogenicity. c.1173-1G>A has been observed in referenced population frequency databases. In summary, NM_025243.3(SLC19A3):c.1173-1G>A is a variant in a canonical splice site in a gene where loss of function is a known mechanism of disease and is predicted to disrupt protein function. Please note: this variant was assessed in the context of healthy population screening.

Fulgent Genetics
Classification: Likely pathogenic for Biotin-responsive basal ganglia disease. Last evaluated: 2024-03-07. Review status: criteria provided, single submitter. Criteria: ACMG Guidelines, 2015. Collection method: clinical testing. Allele origin: germline.

Labcorp Genetics (formerly Invitae), Labcorp
Classification: Likely pathogenic for Biotin-responsive basal ganglia disease. Last evaluated: 2023-09-14. Review status: criteria provided, single submitter. Criteria: Invitae Variant Classification Sherloc (09022015). Collection method: clinical testing. Allele origin: germline.
Comment: In summary, the currently available evidence indicates that the variant is pathogenic, but additional data are needed to prove that conclusively. Therefore, this variant has been classified as Likely Pathogenic. Algorithms developed to predict the effect of sequence changes on RNA splicing suggest that this variant may disrupt the consensus splice site. This variant has not been reported in the literature in individuals affected with SLC19A3-related conditions. This variant is present in population databases (rs531876613, gnomAD 0.01%). This sequence change affects an acceptor splice site in intron 4 of the SLC19A3 gene. It is expected to disrupt RNA splicing. Variants that disrupt the donor or acceptor splice site typically lead to a loss of protein function (PMID: 16199547), and loss-of-function variants in SLC19A3 are known to be pathogenic (PMID: 23423671, 23482991).

Literature cited by the submitters: PubMed 16199547 (cited by Labcorp Genetics (formerly Invitae), Labcorp); PubMed 23423671 (cited by Labcorp Genetics (formerly Invitae), Labcorp); PubMed 23482991 (cited by Labcorp Genetics (formerly Invitae), Labcorp).